The following is an entry in ClinVar:

NM_000383.4(AIRE):c.1472G>A (p.Ser491Asn)

Gene: AIRE (autoimmune regulator; plus strand). Cytogenetic location: 21q22.3.
Variant type: single nucleotide variant.
Coding change: c.1472G>A on transcript NM_000383.4 (MANE Select); coding-DNA position 1472, G replaced by A.
Protein change: p.Ser491Asn; replaces serine 491 with asparagine.
Molecular consequence: missense variant.
Genome position (GRCh38, 1-based): chr21:44,294,472, G>A. VCF-style: chr21-44294472-G-A. GRCh37 (hg19) VCF-style: chr21-45714355-G-A.
Other names: short protein forms S491N.
Identifiers: ClinVar variation 3715755 (VCV003715755.2).

ClinVar aggregate classification (germline): Uncertain significance (1 of 4 stars; one submission).

Conditions:
Polyglandular autoimmune syndrome, type 1 (APS1). Also called: Whitaker syndrome; AUTOIMMUNE POLYENDOCRINE SYNDROME, TYPE I, WITH OR WITHOUT REVERSIBLE METAPHYSEAL DYSPLASIA; APS I; Autoimmune polyendocrine syndrome type 1; HYPOADRENOCORTICISM WITH HYPOPARATHYROIDISM AND SUPERFICIAL MONILIASIS; PGA I. Identifiers: Orphanet 3453, MedGen C0085859, MONDO:0009411, OMIM 240300.

Submission:

Labcorp Genetics (formerly Invitae), Labcorp
Classification: Uncertain significance for Polyglandular autoimmune syndrome, type 1. Last evaluated: 2024-11-14. Review status: criteria provided, single submitter. Criteria: Invitae Variant Classification Sherloc (09022015). Collection method: clinical testing. Allele origin: germline.
Comment: This sequence change replaces serine, which is neutral and polar, with asparagine, which is neutral and polar, at codon 491 of the AIRE protein (p.Ser491Asn). This variant is not present in population databases (gnomAD no frequency). This variant has not been reported in the literature in individuals affected with AIRE-related conditions. Invitae Evidence Modeling of protein sequence and biophysical properties (such as structural, functional, and spatial information, amino acid conservation, physicochemical variation, residue mobility, and thermodynamic stability) indicates that this missense variant is not expected to disrupt AIRE protein function with a negative predictive value of 95%. In summary, the available evidence is currently insufficient to determine the role of this variant in disease. Therefore, it has been classified as a Variant of Uncertain Significance.